The following is an entry in ClinVar:

ClinVar aggregate classification (germline): Uncertain significance (1 of 4 stars; one submission).

Submission:

Ambry Genetics
Classification: Uncertain significance. Last evaluated: 2026-04-22. Review status: criteria provided, single submitter. Criteria: Ambry Variant Classification Scheme 2023. Collection method: clinical testing. Allele origin: germline.
Comment: The p.M426L variant (also known as c.1276A>T), located in coding exon 12 of the GEN1 gene, results from an A to T substitution at nucleotide position 1276. The methionine at codon 426 is replaced by leucine, an amino acid with highly similar properties. This amino acid position is conserved. In addition, this alteration is predicted to be tolerated by in silico analysis. Based on the available evidence, the clinical significance of this variant remains unclear.

NM_001130009.3(GEN1):c.1276A>T (p.Met426Leu)

Gene: GEN1 (GEN1 structure-specific endonuclease; plus strand). Cytogenetic location: 2p24.2.
Variant type: single nucleotide variant.
Coding change: c.1276A>T on transcript NM_001130009.3 (MANE Select); coding-DNA position 1276, A replaced by T.
Protein change: p.Met426Leu; replaces methionine 426 with leucine.
Molecular consequence: missense variant.
Genome position (GRCh38, 1-based): chr2:17,779,989, A>T. VCF-style: chr2-17779989-A-T. GRCh37 (hg19) VCF-style: chr2-17961256-A-T.
Other names: c.1276A>T, p.Met426Leu (NM_182625.5); short protein forms M426L.
Identifiers: ClinVar variation 4263141 (VCV004263141.2).
Genomic context (GRCh38, chr2:17,779,989, plus strand): 5'-TTTTTAAATGCCTAATTAAGGACACTTTGCTGTATTTTTAATCTTTTAGAACATTATGCT[A>T]TGGAAGATAAACAACATGGAGAATTTGCTTTATTAACAATTGAGGAAGAATCATTGTTTG-3'
Protein context (NP_001123481.3, residues 416-436): IEWEKPEHYA[Met426Leu]EDKQHGEFAL